The following is an entry in ClinVar:

NM_033056.4(PCDH15):c.5572A>G (p.Ile1858Val)

Gene: PCDH15 (protocadherin related 15; minus strand). Cytogenetic location: 10q21.1.
Variant type: single nucleotide variant.
Coding change: c.5572A>G on transcript NM_033056.4 (MANE Plus Clinical); coding-DNA position 5572, A replaced by G.
Protein change: p.Ile1858Val; replaces isoleucine 1858 with valine.
Molecular consequence: missense variant. On other transcripts: intron variant (8).
Genome position (GRCh38, 1-based): chr10:53,822,154, T>C on the plus strand (A>G on the coding strand, the complement: PCDH15 is on the minus strand). VCF-style: chr10-53822154-T-C. GRCh37 (hg19) VCF-style: chr10-55581914-T-C.
Other names: c.5578A>G, p.Ile1860Val (NM_001142764.2); c.5365A>G, p.Ile1789Val (NM_001142765.2); c.5563A>G, p.Ile1855Val (NM_001142766.2); c.5452A>G, p.Ile1818Val (NM_001142767.2); c.5512A>G, p.Ile1838Val (NM_001142768.2); c.5503A>G, p.Ile1835Val (NM_001142773.2); c.5506A>G, p.Ile1836Val (NM_001354404.2); c.4367+5239A>G (NM_001354420.2); and 7 more; short protein forms I1789V, I1818V, I1835V, I1836V, I1838V, I1855V, I1858V, I1860V.
Identifiers: ClinVar variation 1010212 (VCV001010212.8), dbSNP rs2076314128, ClinGen allele CA376524683.

ClinVar aggregate classification (germline): Uncertain significance (1 of 4 stars; one submission).

Allele frequency attached by ClinVar (database versions not stated): gnomAD below 0.00001 and 0.00001.
gnomAD v4.1: 1 of 1,613,944 alleles (0.000062%); highest among the groups gnomAD compares: South Asian, 0.0011%; no homozygotes.

Submission:

Labcorp Genetics (formerly Invitae), Labcorp
Classification: Uncertain significance. Last evaluated: 2024-10-15. Review status: criteria provided, single submitter. Criteria: Invitae Variant Classification Sherloc (09022015). Collection method: clinical testing. Allele origin: germline.
Comment: This sequence change replaces isoleucine, which is neutral and non-polar, with valine, which is neutral and non-polar, at codon 1858 of the PCDH15 protein (p.Ile1858Val). This variant is not present in population databases (gnomAD no frequency). This variant has not been reported in the literature in individuals affected with PCDH15-related conditions. ClinVar contains an entry for this variant (Variation ID: 1010212). Invitae Evidence Modeling of protein sequence and biophysical properties (such as structural, functional, and spatial information, amino acid conservation, physicochemical variation, residue mobility, and thermodynamic stability) indicates that this missense variant is not expected to disrupt PCDH15 protein function with a negative predictive value of 95%. In summary, the available evidence is currently insufficient to determine the role of this variant in disease. Therefore, it has been classified as a Variant of Uncertain Significance.